The following is an entry in ClinVar:

NM_001162501.2(TNRC6B):c.3458C>G (p.Ala1153Gly)

Gene: TNRC6B (trinucleotide repeat containing adaptor 6B; plus strand). Cytogenetic location: 22q13.1.
Variant type: single nucleotide variant.
Coding change: c.3458C>G on transcript NM_001162501.2 (MANE Select); coding-DNA position 3458, C replaced by G.
Protein change: p.Ala1153Gly; replaces alanine 1153 with glycine.
Molecular consequence: missense variant. On other transcripts: intron variant (2).
Genome position (GRCh38, 1-based): chr22:40,281,165, C>G. VCF-style: chr22-40281165-C-G. GRCh37 (hg19) VCF-style: chr22-40677169-C-G.
Other names: c.1170+1022C>G (NM_001024843.2); c.3252+1022C>G (NM_015088.3); short protein forms A1153G.
Identifiers: ClinVar variation 2263969 (VCV002263969.2), dbSNP rs1043326558, ClinGen allele CA411652056.

ClinVar aggregate classification (germline): Uncertain significance (1 of 4 stars; one submission).

Conditions:
Inborn genetic diseases. Identifiers: MedGen C0950123, MeSH D030342.

Allele frequency attached by ClinVar (database versions not stated): gnomAD exomes below 0.00001; TOPMed below 0.00001.
gnomAD v4.1: 1 of 1,551,104 alleles (0.000064%); highest among the groups gnomAD compares: Admixed American, 0.002%; no homozygotes.

Submission:

Ambry Genetics
Classification: Uncertain significance for Inborn genetic diseases. Last evaluated: 2022-01-04. Review status: criteria provided, single submitter. Criteria: Ambry Variant Classification Scheme 2023. Collection method: clinical testing. Allele origin: germline.
Comment: The c.3458C>G (p.A1153G) alteration is located in exon 11 (coding exon 11) of the TNRC6B gene. This alteration results from a C to G substitution at nucleotide position 3458, causing the alanine (A) at amino acid position 1153 to be replaced by a glycine (G). This allele was reported in one heterozygous individual in population-based cohorts in the Genome Aggregation Database (gnomAD). This amino acid position is well conserved in available vertebrate species. This alteration is predicted to be tolerated by in silico analysis. Based on insufficient or conflicting evidence, the clinical significance of this alteration remains unclear.